The following is an entry in ClinVar:

NM_021831.6(AGBL5):c.1691T>C (p.Ile564Thr)

Gene: AGBL5 (AGBL carboxypeptidase 5; plus strand). Cytogenetic location: 2p23.3.
Variant type: single nucleotide variant.
Coding change: c.1691T>C on transcript NM_021831.6 (MANE Select); coding-DNA position 1691, T replaced by C.
Protein change: p.Ile564Thr; replaces isoleucine 564 with threonine.
Molecular consequence: missense variant. On other transcripts: non-coding transcript variant (2).
Genome position (GRCh38, 1-based): chr2:27,058,419, T>C. VCF-style: chr2-27058419-T-C. GRCh37 (hg19) VCF-style: chr2-27281287-T-C.
Other names: c.1691T>C, p.Ile564Thr (NM_001035507.3); short protein forms I564T.
Identifiers: ClinVar variation 1037262 (VCV001037262.7), dbSNP rs1173065095, ClinGen allele CA346186079.

ClinVar aggregate classification (germline): Uncertain significance (1 of 4 stars; one submission).

Allele frequency attached by ClinVar (database versions not stated): gnomAD exomes below 0.00001 and 0.00001; TOPMed below 0.00001; gnomAD 0.00001.
gnomAD v4.1: 12 of 1,613,158 alleles (0.00074%); highest among the groups gnomAD compares: East Asian, 0.0067%; no homozygotes.

Submission:

Labcorp Genetics (formerly Invitae), Labcorp
Classification: Uncertain significance. Last evaluated: 2020-09-12. Review status: criteria provided, single submitter. Criteria: Invitae Variant Classification Sherloc (09022015). Collection method: clinical testing. Allele origin: germline.
Comment: In summary, the available evidence is currently insufficient to determine the role of this variant in disease. Therefore, it has been classified as a Variant of Uncertain Significance. Algorithms developed to predict the effect of missense changes on protein structure and function (SIFT, PolyPhen-2, Align-GVGD) all suggest that this variant is likely to be tolerated, but these predictions have not been confirmed by published functional studies and their clinical significance is uncertain. This variant has not been reported in the literature in individuals with AGBL5-related conditions. This variant is not present in population databases (ExAC no frequency). This sequence change replaces isoleucine with threonine at codon 564 of the AGBL5 protein (p.Ile564Thr). The isoleucine residue is moderately conserved and there is a moderate physicochemical difference between isoleucine and threonine.